The following is an entry in ClinVar:

NM_138420.4(AHNAK2):c.5208C>T (p.Gly1736=)

Gene: AHNAK2 (AHNAK nucleoprotein 2; minus strand). Cytogenetic location: 14q32.33.
Variant type: single nucleotide variant.
Coding change: c.5208C>T on transcript NM_138420.4 (MANE Select); coding-DNA position 5208, C replaced by T.
Protein change: p.Gly1736=; no amino-acid change (glycine 1736 retained).
Molecular consequence: synonymous variant.
Genome position (GRCh38, 1-based): chr14:104,950,243, G>A on the plus strand (C>T on the coding strand, the complement: AHNAK2 is on the minus strand). VCF-style: chr14-104950243-G-A. GRCh37 (hg19) VCF-style: chr14-105416580-G-A.
Other names: c.4908C>T, p.Gly1636= (NM_001350929.2).
Identifiers: ClinVar variation 4872226 (VCV004872226.2).
Genomic context (GRCh38, chr14:104,950,243, plus strand): 5'-GAGGGCCACTTTGGGCATCTTCAAACTGGGCATCTGCACCTTGGGGAGGTGCCCTTTGAA[G>A]CCGGCTCCCTCGGGAAGGGGGCCCTCCGGGAGTTTCACGTTCACTTGGCCAGCCTGGACC-3'
Protein context (NP_612429.2, residues 1726-1746): LPEGPLPEGA[Gly1736=]FKGHLPKVQM

ClinVar aggregate classification (germline): Likely benign (1 of 4 stars; one submission).

gnomAD v4.1: 188 of 1,585,610 alleles (0.012%); highest among the groups gnomAD compares: Non-Finnish European, 0.015%; 25 homozygotes.

Submission:

CeGaT Center for Human Genetics Tuebingen
Classification: Likely benign. Last evaluated: 2026-04-01. Review status: criteria provided, single submitter. Criteria: CeGaT Center For Human Genetics Tuebingen Variant Classification Criteria Version 2. Collection method: clinical testing. Allele origin: germline. Affected: yes. Observed: 1 variant allele.
Comment: AHNAK2: BP4, BP7, BS2